The following is an entry in ClinVar:

NM_016180.5(SLC45A2):c.143_145del (p.Cys48del)

Gene: SLC45A2 (solute carrier family 45 member 2; minus strand). Cytogenetic location: 5p13.2.
Variant type: Deletion.
Coding change: c.143_145del on transcript NM_016180.5 (MANE Select); coding-DNA positions 143 to 145, 3 bases deleted (GCT; older notation c.143_145delGCT).
Protein change: p.Cys48del; deletes cysteine 48.
Molecular consequence: inframe deletion.
Genome position (GRCh38, 1-based): chr5:33,984,439-33,984,441, AGC deleted on the plus strand (GCT on the coding strand, the reverse complement: SLC45A2 is on the minus strand); deleting any 3 consecutive bases within chr5:33,984,439-33,984,443 gives the same sequence; the c. name uses the placement nearest the transcript's 3' end. VCF-style (leftmost placement, unchanged base first): chr5-33984438-TAGC-T. GRCh37 (hg19) VCF-style: chr5-33984543-TAGC-T.
Other names: c.143_145del, p.Cys48del (NM_001012509.4, NM_001297417.4); short protein forms C48del.
Identifiers: ClinVar variation 5006887 (VCV005006887.2).

ClinVar aggregate classification (germline): Uncertain significance (1 of 4 stars; one submission).

Conditions:
Oculocutaneous albinism type 4 (OCA4). Also called: Albinism, oculocutaneous, type IV. Identifiers: Orphanet 79435, MedGen C1847836, MONDO:0011683, OMIM 606574.

Submission:

Juno Genomics, Hangzhou Juno Genomics, Inc
Classification: Uncertain significance for Oculocutaneous albinism type 4. Review status: criteria provided, single submitter. Criteria: ACMG Guidelines, 2015. Collection method: clinical testing. Allele origin: germline.
Comment: Absent from controls (or at extremely low frequency if recessive) in Genome Aggregation Database.;Protein length changes due to in-frame deletions/insertions in a non-repeat region or stop-loss variants.;For recessive disorders, detected in trans with a pathogenic variant.;Patient's phenotype or family history is highly specific for a disease with a single genetic etiology.